The following is an entry in ClinVar:

ClinVar aggregate classification (germline): Pathogenic (1 of 4 stars; one submission).

Conditions:
Inosine triphosphatase deficiency. Also called: INOSINE TRIPHOSPHATE PYROPHOSPHOHYDROLASE DEFICIENCY. Identifiers: MedGen C0342800, MONDO:0013461, OMIM 613850.

Allele frequency attached by ClinVar (database versions not stated): gnomAD exomes below 0.00001; TOPMed below 0.00001; gnomAD 0.00001.

Submission:

Labcorp Genetics (formerly Invitae), Labcorp
Classification: Pathogenic for Inosine triphosphatase deficiency. Last evaluated: 2024-07-15. Review status: criteria provided, single submitter. Criteria: Invitae Variant Classification Sherloc (09022015). Collection method: clinical testing. Allele origin: germline.
Comment: This sequence change creates a premature translational stop signal (p.Val24Glyfs*7) in the ITPA gene. It is expected to result in an absent or disrupted protein product. Loss-of-function variants in ITPA are known to be pathogenic (PMID: 26224535). This variant is not present in population databases (gnomAD no frequency). This variant has not been reported in the literature in individuals affected with ITPA-related conditions. ClinVar contains an entry for this variant (Variation ID: 580951). Algorithms developed to predict the effect of sequence changes on RNA splicing suggest that this variant may disrupt the consensus splice site. For these reasons, this variant has been classified as Pathogenic.

Literature cited by the submitters: PubMed 26224535.

NM_033453.4(ITPA):c.70dup (p.Val24fs)

Gene: ITPA (inosine triphosphatase; plus strand). Cytogenetic location: 20p13.
Variant type: Duplication.
Coding change: c.70dup on transcript NM_033453.4 (MANE Select); coding-DNA position 70, one base duplicated (G; older notation c.70dupG).
Protein change: p.Val24fs; shifts the reading frame from valine 24.
Molecular consequence: frameshift variant. On other transcripts: 5 prime UTR variant (1), non-coding transcript variant (2), intron variant (4).
Genome position (GRCh38, 1-based): chr20:3,213,172, G duplicated. VCF-style (leftmost placement, unchanged base first): chr20-3213171-C-CG. GRCh37 (hg19) VCF-style: chr20-3193817-C-CG.
Other names: c.-268dup (NM_001324237.2); c.70dup, p.Val24fs (NM_001324240.2); c.19dup, p.Val7fs (NM_181493.4); c.-274-86dup (NM_001324238.2, NM_001324236.2, NM_001351739.2); c.67-813dup (NM_001267623.2); c.70dupG (NM_033453.3); short protein forms V7fs, V24fs.
Identifiers: ClinVar variation 580951 (VCV000580951.7), dbSNP rs1568509937, ClinGen allele CA891843888.
Genomic context (GRCh38, chr20:3,213,171, plus strand): 5'-CGTGCTCACATGGAGAATCACTAGATGGTGATAAGTGTTCTCTTTTCTCTTGGAACAGGT[C>CG]GTTCAGATTCTAGGAGATAAGTTTCCATGCACTTTGGTGGCACAGAAAATTGACCGTATG-3'